The following is an entry in ClinVar:

ClinVar aggregate classification (germline): Benign/Likely benign. Review status: criteria provided, multiple submitters, no conflicts (2 of 4 stars). 18 submissions from 17 submitters: Benign (3); Likely benign (9). 6 of the submissions do not count toward it. Last evaluated 2026-09-08.

Conditions:
GLA-related disorder. Also called: GLA-related condition.
Cardiovascular phenotype. Identifiers: MedGen CN230736.
Cardiomyopathy (CMYO). Also called: Cardiomyopathies. Identifiers: Orphanet 167848, MedGen C0878544, MONDO:0004994, HP:0001638. Inheritance: Various modes of inheritance.
Fabry disease. Also called: CERAMIDE TRIHEXOSIDASE DEFICIENCY; ALPHA-GALACTOSIDASE A DEFICIENCY; ANDERSON-FABRY DISEASE; GLA DEFICIENCY; HEREDITARY DYSTOPIC LIPIDOSIS; Fabry's disease. Identifiers: Orphanet 324, MedGen C0002986, MONDO:0010526, OMIM 301500, HP:0001071. Disease mechanism: Fabry disease is due to inactivating mutations in the X-linked GLA gene resulting in deficiency of the enzyme Alpha Galactosidase-A., loss of function.
Migalastat response. Also called: 1-Deoxygalactonojirimycin response; Galafold response. Identifiers: MedGen CN233149.

Allele frequency attached by ClinVar (database versions not stated): gnomAD exomes 0.00008 and 0.00023; 1000 Genomes Project 30x 0.00021; 1000 Genomes Project 0.00026; ExAC 0.00030; gnomAD 0.00087 and 0.00098; TOPMed 0.00115; ESP Exome Variant Server 0.00151.
gnomAD v4.1: 192 of 1,208,132 alleles (0.016%); highest among the groups gnomAD compares: African/African-American, 0.31%; 2 homozygotes.

Submissions (18):

Genomenon, Inc
Classification: Likely benign for Fabry disease. Last evaluated: 2026-09-08. Review status: criteria provided, single submitter. Criteria: Genomenon Sequence Variant Interpretation Standards - Updated. Collection method: curation. Allele origin: germline. Affected: no.
Comment: GLA p.Leu3Pro (c.8T>C) is a missense variant that changes the amino acid at codon 3 from Leucine to Proline. This variant has been reported in the published literature (PMID:38735682;32418857;26415523;32023956;31036492;27657681). In silico models predict that this variant is not damaging. This variant's allele frequency in gnomAD is greater than expected for this disorder. In conclusion, we classify GLA p.Leu3Pro (c.8T>C) as a likely benign variant.

Women's Health and Genetics/Laboratory Corporation of America, LabCorp
Classification: Likely benign. Last evaluated: 2026-04-27. Review status: criteria provided, single submitter. Criteria: LabCorp Variant Classification Summary - May 2015. Collection method: clinical testing. Allele origin: germline.
Comment: Variant summary: GLA c.8T>C (p.Leu3Pro) results in a non-conservative amino acid change in the encoded protein sequence. Two of four in-silico tools predict a benign effect of the variant on protein function. The variant allele was found at a frequency of 0.00016 in 1208132 control chromosomes, predominantly at a frequency of 0.0031 within the African or African-American subpopulation in the gnomAD database, including 42 hemizygotes and 2 homozygotes. c.8T>C has been reported in the literature in individuals affected with Fabry disease (Lukas 2016), however in this study, authors found normal biomarker levels in these individuals. Experimental evidence evaluating an impact on protein function also showed normal (or somewhat elevated) activity for the variant protein (Lukas 2016). The following publications have been ascertained in the context of this evaluation (PMID: 26415523, 27916943). ClinVar contains an entry for this variant (Variation ID: 42464). Based on the evidence outlined above, the variant was classified as likely benign.

Labcorp Genetics (formerly Invitae), Labcorp
Classification: Likely benign for Fabry disease. Last evaluated: 2026-02-04. Review status: criteria provided, single submitter. Criteria: Invitae Variant Classification Sherloc (09022015). Collection method: clinical testing. Allele origin: germline.

Mayo Clinic Laboratories, Mayo Clinic
Classification: Likely benign. Last evaluated: 2025-09-30. Review status: criteria provided, single submitter. Criteria: ACMG Guidelines, 2015. Collection method: clinical testing. Allele origin: germline. Observed: 4 variant alleles.

Molecular Diagnostic Laboratory for Inherited Cardiovascular Disease, Montreal Heart Institute
Classification: Likely benign. Last evaluated: 2025-04-09. Review status: criteria provided, single submitter. Criteria: ACMG Guidelines, 2015. Collection method: clinical testing. Allele origin: germline. Affected: no.

Blueprint Genetics
Classification: Likely benign. Last evaluated: 2024-11-26. Review status: criteria provided, single submitter. Criteria: ACMG Guidelines, 2015. Collection method: clinical testing. Allele origin: germline.

CHEO Genetics Diagnostic Laboratory, Children's Hospital of Eastern Ontario
Classification: Benign for Cardiomyopathy. Last evaluated: 2020-09-28. Review status: criteria provided, single submitter. Criteria: ACMG Guidelines, 2015. Collection method: clinical testing. Allele origin: germline.

Broad Center for Mendelian Genomics, Broad Institute of MIT and Harvard
Classification: Likely benign for Fabry disease. Last evaluated: 2020-01-22. Review status: criteria provided, single submitter. Criteria: ACMG Guidelines, 2015. Collection method: curation. Allele origin: germline. Inheritance: X-linked inheritance.
Comment: The p.Leu3Pro variant in GLA has not been previously reported in individuals with Fabry disease, and has been identified in 0.32% (61/19010) of African chromosomes, including 11 hemizygotes, and 0.0036% (1/28047) of Latino chromosomes by the Genome Aggregation Database (gnomAD; dbSNP rs150547672). This variant has been reported in ClinVar as benign by the Laboratory for Molecular Medicine (Partners Healthcare) and GeneDx, as likely benign by Invitae and Ambry Genetics, and as a VUS by Albrecht-Kossel-Institute (Medical University Rostock) and the Division of Genomic Diagnostics (The Children's Hospital of Philadelphia) (ID:42464). Computational prediction tools, including splice predictors, and conservation analyses suggest that this variant may not impact the protein, though this information is not predictive enough to rule out pathogenicity. In summary, although additional studies are required to fully establish its clinical significance, this variant is likely benign. ACMG/AMP Criteria applied: BS1, BP4 (Richards 2015).

Color Diagnostics, LLC DBA Color Health
Classification: Likely benign for Fabry disease. Last evaluated: 2018-11-11. Review status: criteria provided, single submitter. Criteria: ACMG Guidelines, 2015. Collection method: clinical testing. Allele origin: germline.

Ambry Genetics
Classification: Likely benign for Cardiovascular phenotype. Last evaluated: 2018-09-27. Review status: criteria provided, single submitter. Criteria: Ambry Variant Classification Scheme 2023. Collection method: clinical testing. Allele origin: germline.

GeneDx
Classification: Benign. Last evaluated: 2017-01-06. Review status: criteria provided, single submitter. Criteria: GeneDx Variant Classification (06012015). Collection method: clinical testing. Allele origin: germline. Affected: yes.
Comment: This variant is considered likely benign or benign based on one or more of the following criteria: it is a conservative change, it occurs at a poorly conserved position in the protein, it is predicted to be benign by multiple in silico algorithms, and/or has population frequency not consistent with disease.

Laboratory for Molecular Medicine, Mass General Brigham Personalized Medicine
Classification: Benign. Last evaluated: 2015-07-29. Review status: criteria provided, single submitter. Criteria: LMM Criteria. Collection method: clinical testing. Allele origin: germline. Observed: 5 variant alleles.
Comment: p.Leu3Pro in exon 1 of GLA: This variant is not expected to have clinical signif icance because it has been identified in 0.3% (26/8444) of African chromosomes i ncluding 4 hemizygous males by the Exome Aggregation Consortium (ExAC; dbSNP rs150547672).

PreventionGenetics, part of Exact Sciences
Classification: Likely benign for GLA-related condition. Last evaluated: 2024-08-19. Review status: no assertion criteria provided. Collection method: clinical testing. Allele origin: germline. Not counted in ClinVar's aggregate classification.
Comment: This variant is classified as likely benign based on ACMG/AMP sequence variant interpretation guidelines (Richards et al. 2015 PMID: 25741868, with internal and published modifications).

Natera, Inc.
Classification: Benign for Fabry disease. Last evaluated: 2020-01-06. Review status: no assertion criteria provided. Collection method: clinical testing. Allele origin: germline. Not counted in ClinVar's aggregate classification.

Albrecht-Kossel-Institute, Medical University Rostock
Classification: drug response for deoxygalactonojirimycin response. Last evaluated: 2014-01-01. Review status: no assertion criteria provided. Collection method: research. Allele origin: inherited. Not counted in ClinVar's aggregate classification.

Genome-Nilou Lab
Classification: Likely benign for Fabry disease. Last evaluated: 2021-07-15. Review status: flagged submission. Criteria: ACMG Guidelines, 2015. Collection method: clinical testing. Allele origin: germline. Affected: no. Not counted in ClinVar's aggregate classification.
ClinVar note: Reason: Outlier claim with insufficient supporting evidence

Genomic Diagnostic Laboratory, Division of Genomic Diagnostics, Children's Hospital of Philadelphia
Classification: Uncertain significance for Fabry's disease. Last evaluated: 2015-10-13. Review status: flagged submission. Criteria: DGD Variant Analysis Guidelines. Collection method: clinical testing. Allele origin: unknown. Not counted in ClinVar's aggregate classification.
ClinVar note: Reason: Older and outlier claim with insufficient supporting evidence

Albrecht-Kossel-Institute, Medical University Rostock
Classification: Uncertain significance for Fabry's disease. Last evaluated: 2014-01-01. Review status: flagged submission. Collection method: research. Allele origin: inherited. Not counted in ClinVar's aggregate classification.
ClinVar note: Reason: Older and outlier claim with insufficient supporting evidence

Literature cited by the submitters: PubMed 38735682 (cited by Genomenon, Inc and Mayo Clinic Laboratories, Mayo Clinic); PubMed 32418857 (cited by Genomenon, Inc); PubMed 26415523 (cited by 4 submitters); PubMed 32023956 (cited by Genomenon, Inc); PubMed 31036492 (cited by Genomenon, Inc); PubMed 27657681 (cited by Genomenon, Inc); PubMed 27916943 (cited by Women's Health and Genetics/Laboratory Corporation of America, LabCorp); PubMed 30476936 (cited by Mayo Clinic Laboratories, Mayo Clinic); PubMed 2836863 (cited by Laboratory for Molecular Medicine, Mass General Brigham Personalized Medicine); PubMed 6379599 (cited by Laboratory for Molecular Medicine, Mass General Brigham Personalized Medicine).

NM_000169.3(GLA):c.8T>C (p.Leu3Pro)

Genes: GLA (galactosidase alpha; minus strand), RPL36A-HNRNPH2 (RPL36A-HNRNPH2 readthrough; plus strand). Cytogenetic location: Xq22.1.
Variant type: single nucleotide variant.
Coding change: c.8T>C on transcript NM_000169.3 (MANE Select); coding-DNA position 8, T replaced by C.
Protein change: p.Leu3Pro; replaces leucine 3 with proline.
Molecular consequence: missense variant. On other transcripts: non-coding transcript variant (3), intron variant (2).
Genome position (GRCh38, 1-based): chrX:101,407,896, A>G on the plus strand (T>C on the coding strand, the complement: GLA is on the minus strand). VCF-style: chrX-101407896-A-G. GRCh37 (hg19) VCF-style: chrX-100662884-A-G.
Other names: p.L3P:CTG>CCG; c.8T>C (NM_000169.2); c.8T>C, p.Leu3Pro (NM_001406747.1, NM_001406748.1, NM_001406749.1); c.301-4040A>G (NM_001199973.2); c.178-4040A>G (NM_001199974.2); short protein forms L3P.
Identifiers: ClinVar variation 42464 (VCV000042464.38), dbSNP rs150547672, ClinGen allele CA022172.